The following is an entry in ClinVar:

ClinVar aggregate classification (germline): Uncertain significance (1 of 4 stars; one submission).

Conditions:
Neurofibromatosis, type 1 (NF1). Also called: Neurofibromatosis, type I; NEUROFIBROMATOSIS, TYPE I, SOMATIC; Peripheral type neurofibromatosis; VON RECKLINGHAUSEN DISEASE. Identifiers: Orphanet 636, MedGen C0027831, MONDO:0018975, OMIM 162200. Disease mechanism: loss of function.

Allele frequency attached by ClinVar (database versions not stated): gnomAD 0.00001.
gnomAD v4.1: 1 of 1,613,906 alleles (0.000062%); highest among the groups gnomAD compares: Non-Finnish European, 0.000085%; no homozygotes.

Submission:

Labcorp Genetics (formerly Invitae), Labcorp
Classification: Uncertain significance for Neurofibromatosis, type 1. Last evaluated: 2023-08-06. Review status: criteria provided, single submitter. Criteria: Invitae Variant Classification Sherloc (09022015). Collection method: clinical testing. Allele origin: germline.
Comment: This variant is not present in population databases (gnomAD no frequency). In summary, the available evidence is currently insufficient to determine the role of this variant in disease. Therefore, it has been classified as a Variant of Uncertain Significance. Advanced modeling of protein sequence and biophysical properties (such as structural, functional, and spatial information, amino acid conservation, physicochemical variation, residue mobility, and thermodynamic stability) performed at Invitae indicates that this missense variant is expected to disrupt NF1 protein function. This variant has not been reported in the literature in individuals affected with NF1-related conditions. This sequence change replaces threonine, which is neutral and polar, with proline, which is neutral and non-polar, at codon 1245 of the NF1 protein (p.Thr1245Pro).

NM_001042492.3(NF1):c.3733A>C (p.Thr1245Pro)

Gene: NF1 (neurofibromin 1; plus strand). Cytogenetic location: 17q11.2.
Variant type: single nucleotide variant.
Coding change: c.3733A>C on transcript NM_001042492.3 (MANE Select); coding-DNA position 3733, A replaced by C.
Protein change: p.Thr1245Pro; replaces threonine 1245 with proline.
Molecular consequence: missense variant.
Genome position (GRCh38, 1-based): chr17:31,235,635, A>C. VCF-style: chr17-31235635-A-C. GRCh37 (hg19) VCF-style: chr17-29562653-A-C.
Other names: c.3733A>C, p.Thr1245Pro (NM_000267.4); short protein forms T1245P.
Identifiers: ClinVar variation 2863442 (VCV002863442.3), dbSNP rs786203616, ClinGen allele CA398992378.
Genomic context (GRCh38, chr17:31,235,635, plus strand): 5'-ATTGTTTGCACTAACCTGATTTTGTTTTGTTCTCAGGATGAACTAGCTCGAGTTCTGGTT[A>C]CTCTGTTTGATTCTCGGCATTTACTCTACCAACTGCTCTGGAACATGTTTTCTAAAGAAG-3'
Protein context (NP_001035957.1, residues 1235-1255): QWDELARVLV[Thr1245Pro]LFDSRHLLYQ